The following is an entry in ClinVar:

NM_001130009.3(GEN1):c.1574C>T (p.Ser525Leu)

Gene: GEN1 (GEN1 structure-specific endonuclease; plus strand). Cytogenetic location: 2p24.2.
Variant type: single nucleotide variant.
Coding change: c.1574C>T on transcript NM_001130009.3 (MANE Select); coding-DNA position 1574, C replaced by T.
Protein change: p.Ser525Leu; replaces serine 525 with leucine.
Molecular consequence: missense variant.
Genome position (GRCh38, 1-based): chr2:17,780,786, C>T. VCF-style: chr2-17780786-C-T. GRCh37 (hg19) VCF-style: chr2-17962053-C-T.
Other names: c.1574C>T (NM_001130009.1); c.1574C>T, p.Ser525Leu (NM_182625.5); short protein forms S525L.
Identifiers: ClinVar variation 1957547 (VCV001957547.7), dbSNP rs765954836, ClinGen allele CA1540796.

ClinVar aggregate classification (germline): Uncertain significance. Review status: criteria provided, multiple submitters, no conflicts (2 of 4 stars). 2 submissions from 2 submitters: Uncertain significance (2). Last evaluated 2023-07-19.

Allele frequency attached by ClinVar (database versions not stated): gnomAD exomes below 0.00001; ExAC 0.00001.
gnomAD v4.1: 1 of 1,613,952 alleles (0.000062%); highest among the groups gnomAD compares: East Asian, 0.0022%; no homozygotes.

Submissions (2):

Ambry Genetics
Classification: Uncertain significance. Last evaluated: 2023-07-19. Review status: criteria provided, single submitter. Criteria: Ambry Variant Classification Scheme 2023. Collection method: clinical testing. Allele origin: germline.

Labcorp Genetics (formerly Invitae), Labcorp
Classification: Uncertain significance. Last evaluated: 2022-09-04. Review status: criteria provided, single submitter. Criteria: Invitae Variant Classification Sherloc (09022015). Collection method: clinical testing. Allele origin: germline.
Comment: In summary, the available evidence is currently insufficient to determine the role of this variant in disease. Therefore, it has been classified as a Variant of Uncertain Significance. Algorithms developed to predict the effect of missense changes on protein structure and function output the following: SIFT: "Tolerated"; PolyPhen-2: "Benign"; Align-GVGD: "Class C0". The leucine amino acid residue is found in multiple mammalian species, which suggests that this missense change does not adversely affect protein function. This variant has not been reported in the literature in individuals affected with GEN1-related conditions. This variant is present in population databases (rs765954836, gnomAD 0.006%). This sequence change replaces serine, which is neutral and polar, with leucine, which is neutral and non-polar, at codon 525 of the GEN1 protein (p.Ser525Leu).